The following is an entry in ClinVar:

NM_000836.4(GRIN2D):c.838G>A (p.Ala280Thr)

Gene: GRIN2D (glutamate ionotropic receptor NMDA type subunit 2D; plus strand). Cytogenetic location: 19q13.33.
Variant type: single nucleotide variant.
Coding change: c.838G>A on transcript NM_000836.4 (MANE Select); coding-DNA position 838, G replaced by A.
Protein change: p.Ala280Thr; replaces alanine 280 with threonine.
Molecular consequence: missense variant.
Genome position (GRCh38, 1-based): chr19:48,405,106, G>A. VCF-style: chr19-48405106-G-A. GRCh37 (hg19) VCF-style: chr19-48908363-G-A.
Other names: short protein forms A280T.
Identifiers: ClinVar variation 1031671 (VCV001031671.9), dbSNP rs759019629, ClinGen allele CA9550396.
Genomic context (GRCh38, chr19:48,405,106, plus strand): 5'-GCTGAGGAGGCTGGCCTCACTGGATCTGGCTACGTCTGGTTCATGGTGGGGCCCCAGCTG[G>A]CTGGAGGCGGGGGCTCTGGGGCCCCTGGTGAGCCCCCTCTTCTGCCAGGAGGCGCCCCCC-3'
Protein context (NP_000827.2, residues 270-290): YVWFMVGPQL[Ala280Thr]GGGGSGAPGE

ClinVar aggregate classification (germline): Uncertain significance. Review status: criteria provided, multiple submitters, no conflicts (2 of 4 stars). 2 submissions from 2 submitters: Uncertain significance (2). Last evaluated 2025-12-05.

Conditions:
Developmental and epileptic encephalopathy, 46 (DEE46). Also called: Epileptic encephalopathy, early infantile, 46; GRIN2D-Related Developmental and Epileptic Encephalopathy. Identifiers: MedGen C4310687, MONDO:0014947, OMIM 617162.

Allele frequency attached by ClinVar (database versions not stated): gnomAD exomes below 0.00001 and 0.00001; TOPMed below 0.00001; ExAC 0.00002.
gnomAD v4.1: 5 of 1,592,048 alleles (0.00031%); highest among the groups gnomAD compares: Admixed American, 0.0053%; no homozygotes.

Submissions (2):

Labcorp Genetics (formerly Invitae), Labcorp
Classification: Uncertain significance. Last evaluated: 2025-12-05. Review status: criteria provided, single submitter. Criteria: Invitae Variant Classification Sherloc (09022015). Collection method: clinical testing. Allele origin: germline.
Comment: This sequence change replaces alanine, which is neutral and non-polar, with threonine, which is neutral and polar, at codon 280 of the GRIN2D protein (p.Ala280Thr). This variant is present in population databases (rs759019629, gnomAD 0.007%). This variant has not been reported in the literature in individuals affected with GRIN2D-related conditions. ClinVar contains an entry for this variant (Variation ID: 1031671). Invitae Evidence Modeling of protein sequence and biophysical properties (such as structural, functional, and spatial information, amino acid conservation, physicochemical variation, residue mobility, and thermodynamic stability) indicates that this missense variant is not expected to disrupt GRIN2D protein function with a negative predictive value of 80%. In summary, the available evidence is currently insufficient to determine the role of this variant in disease. Therefore, it has been classified as a Variant of Uncertain Significance.

Baylor Genetics
Classification: Uncertain significance for Developmental and epileptic encephalopathy, 46. Last evaluated: 2018-06-28. Review status: criteria provided, single submitter. Criteria: ACMG Guidelines, 2015. Collection method: clinical testing. Allele origin: paternal. Affected: yes.
Comment: This variant was determined to be of uncertain significance according to ACMG Guidelines, 2015 [PMID:25741868].